The following is an entry in ClinVar:

ClinVar aggregate classification (germline): Uncertain significance (1 of 4 stars; one submission).

Submission:

Labcorp Genetics (formerly Invitae), Labcorp
Classification: Uncertain significance. Last evaluated: 2025-12-16. Review status: criteria provided, single submitter. Criteria: Invitae Variant Classification Sherloc (09022015). Collection method: clinical testing. Allele origin: germline.
Comment: This sequence change replaces arginine, which is basic and polar, with histidine, which is basic and polar, at codon 330 of the RNF13 protein (p.Arg330His). This variant is present in population databases (rs761261580, gnomAD 0.02%). This variant has not been reported in the literature in individuals affected with RNF13-related conditions. An algorithm developed to predict the effect of missense changes on protein structure and function outputs the following: PolyPhen-2: "Benign". The histidine amino acid residue is found in multiple mammalian species, which suggests that this missense change does not adversely affect protein function. In summary, the available evidence is currently insufficient to determine the role of this variant in disease. Therefore, it has been classified as a Variant of Uncertain Significance.

NM_183381.3(RNF13):c.989G>A (p.Arg330His)

Gene: RNF13 (ring finger protein 13; plus strand). Cytogenetic location: 3q25.1.
Variant type: single nucleotide variant.
Coding change: c.989G>A on transcript NM_183381.3 (MANE Select); coding-DNA position 989, G replaced by A.
Protein change: p.Arg330His; replaces arginine 330 with histidine.
Molecular consequence: missense variant. On other transcripts: non-coding transcript variant (1).
Genome position (GRCh38, 1-based): chr3:149,960,947, G>A. VCF-style: chr3-149960947-G-A. GRCh37 (hg19) VCF-style: chr3-149678734-G-A.
Other names: c.989G>A, p.Arg330His (NM_001378285.1, NM_001378286.1, NM_007282.4); c.632G>A, p.Arg211His (NM_001378287.1, NM_001378288.1, NM_001378289.1 and 2 more transcripts); c.596G>A, p.Arg199His (NM_001378291.1); short protein forms R211H, R330H, R199H.
Identifiers: ClinVar variation 4750817 (VCV004750817.1).